The following is an entry in ClinVar:

NM_024675.4(PALB2):c.3202-34_3305del

Gene: PALB2 (partner and localizer of BRCA2; minus strand). Cytogenetic location: 16p12.2.
Variant type: Deletion.
Coding change: c.3202-34_3305del on transcript NM_024675.4 (MANE Select); 34 bases into the intron before coding-DNA position 3202 through coding-DNA position 3305, 138 bases deleted.
Molecular consequence: splice acceptor variant. On other transcripts: intron variant (8).
Genome position (GRCh38, 1-based): chr16:23,607,909-23,608,046, 138 bases deleted. GRCh37 (hg19): chr16:23,619,233-23,619,370.
Other names: c.2229-4377_2229-4240del (NM_001407308.1, NM_001407309.1); c.2317-34_2420del (NM_001407306.1, NM_001407305.1, NM_001407304.1); c.736-34_839del (NM_001407314.1); c.1414-4377_1414-4240del (NM_001407313.1); c.1414-34_1517del (NM_001407312.1); c.3142-34_3245del (NM_001407296.1); c.3130-34_3233del (NM_001407297.1); c.3040-4377_3040-4240del (NM_001407302.1); and 6 more.
Identifiers: ClinVar variation 2673835 (VCV002673835.1), dbSNP rs2506215046, ClinGen allele CA2695197586.

ClinVar aggregate classification (germline): Likely pathogenic (1 of 4 stars; one submission).

Conditions:
Familial cancer of breast. Also called: Hereditary breast cancer; BREAST CANCER, FAMILIAL; hereditary breast carcinoma. Identifiers: Orphanet 227535, MedGen C0346153, MONDO:0016419, OMIM 114480. Disease mechanism: loss of function.

Submission:

Myriad Genetics, Inc.
Classification: Likely pathogenic for Familial cancer of breast. Last evaluated: 2023-09-14. Review status: criteria provided, single submitter. Criteria: Myriad Autosomal Dominant, Autosomal Recessive and X-Linked Classification Criteria (2023). Collection method: clinical testing. Allele origin: unknown.
Comment: This variant is considered likely pathogenic. This variant occurs within a consensus splice junction and is predicted to result in abnormal mRNA splicing of either an out-of-frame exon or an in-frame exon necessary for protein stability and/or normal function.